The following is an entry in ClinVar:

ClinVar aggregate classification (germline): Uncertain significance. Review status: criteria provided, multiple submitters, no conflicts (2 of 4 stars). 2 submissions from 2 submitters: Uncertain significance (2). Last evaluated 2025-07-21.

Allele frequency attached by ClinVar (database versions not stated): ExAC 0.00002; gnomAD exomes 0.00002; TOPMed 0.00002; gnomAD 0.00003.
gnomAD v4.1: 28 of 1,609,568 alleles (0.0017%); highest among the groups gnomAD compares: Non-Finnish European, 0.0022%; 1 homozygote.

Submissions (2):

Labcorp Genetics (formerly Invitae), Labcorp
Classification: Uncertain significance. Last evaluated: 2025-07-21. Review status: criteria provided, single submitter. Criteria: Invitae Variant Classification Sherloc (09022015). Collection method: clinical testing. Allele origin: germline.
Comment: This sequence change replaces aspartic acid, which is acidic and polar, with tyrosine, which is neutral and polar, at codon 86 of the TGFB1 protein (p.Asp86Tyr). This variant is present in population databases (rs201155269, gnomAD 0.005%). This variant has not been reported in the literature in individuals affected with TGFB1-related conditions. ClinVar contains an entry for this variant (Variation ID: 1013166). Invitae Evidence Modeling of protein sequence and biophysical properties (such as structural, functional, and spatial information, amino acid conservation, physicochemical variation, residue mobility, and thermodynamic stability) indicates that this missense variant is not expected to disrupt TGFB1 protein function with a negative predictive value of 80%. In summary, the available evidence is currently insufficient to determine the role of this variant in disease. Therefore, it has been classified as a Variant of Uncertain Significance.

CeGaT Center for Human Genetics Tuebingen
Classification: Uncertain significance. Last evaluated: 2020-09-01. Review status: criteria provided, single submitter. Criteria: CeGaT Center For Human Genetics Tuebingen Variant Classification Criteria Version 2. Collection method: clinical testing. Allele origin: germline. Affected: yes. Observed: 1 variant allele.

NM_000660.7(TGFB1):c.256G>T (p.Asp86Tyr)

Genes: TGFB1 (transforming growth factor beta 1; minus strand), LOC130064510 (ATAC-STARR-seq lymphoblastoid silent region 10661; plus strand). Cytogenetic location: 19q13.2.
Variant type: single nucleotide variant.
Coding change: c.256G>T on transcript NM_000660.7 (MANE Select); coding-DNA position 256, G replaced by T.
Protein change: p.Asp86Tyr; replaces aspartic acid 86 with tyrosine.
Molecular consequence: missense variant.
Genome position (GRCh38, 1-based): chr19:41,352,789, C>A on the plus strand (G>T on the coding strand, the complement: TGFB1 is on the minus strand). VCF-style: chr19-41352789-C-A. GRCh37 (hg19) VCF-style: chr19-41858694-C-A.
Other names: short protein forms D86Y.
Identifiers: ClinVar variation 1013166 (VCV001013166.42), dbSNP rs201155269, ClinGen allele CA9460155.